The following is an entry in ClinVar:

ClinVar aggregate classification (germline): Uncertain significance. Review status: criteria provided, multiple submitters, no conflicts (2 of 4 stars). 2 submissions from 2 submitters: Uncertain significance (2). Last evaluated 2025-02-04.

Conditions:
Mowat-Wilson syndrome (MOWS). Also called: Classic Mowat-Wilson Syndrome. Identifiers: Orphanet 2152, MedGen C1856113, MONDO:0009341, OMIM 235730.
Inborn genetic diseases. Identifiers: MedGen C0950123, MeSH D030342.

Submissions (2):

Ambry Genetics
Classification: Uncertain significance for Inborn genetic diseases. Last evaluated: 2025-02-04. Review status: criteria provided, single submitter. Criteria: Ambry Variant Classification Scheme 2023. Collection method: clinical testing. Allele origin: germline.

Laboratorio de Genetica e Diagnostico Molecular, Hospital Israelita Albert Einstein
Classification: Uncertain significance for Mowat-Wilson syndrome. Last evaluated: 2022-06-14. Review status: criteria provided, single submitter. Criteria: ACMG Guidelines, 2015. Collection method: clinical testing. Allele origin: germline. Affected: yes. Observed: 1 variant allele.
Comment: ACMG classification criteria: PM2 moderated

NM_014795.4(ZEB2):c.187G>A (p.Ala63Thr)

Gene: ZEB2 (zinc finger E-box binding homeobox 2; minus strand). Cytogenetic location: 2q22.3.
Variant type: single nucleotide variant.
Coding change: c.187G>A on transcript NM_014795.4 (MANE Select); coding-DNA position 187, G replaced by A.
Protein change: p.Ala63Thr; replaces alanine 63 with threonine.
Molecular consequence: missense variant.
Genome position (GRCh38, 1-based): chr2:144,429,913, C>T on the plus strand (G>A on the coding strand, the complement: ZEB2 is on the minus strand). VCF-style: chr2-144429913-C-T. GRCh37 (hg19) VCF-style: chr2-145187480-C-T.
Other names: c.187G>A (NM_014795.3); c.187G>A, p.Ala63Thr (NM_001171653.2); short protein forms A63T.
Identifiers: ClinVar variation 2431599 (VCV002431599.2), dbSNP rs2549120683, ClinGen allele CA348718880.